The following is an entry in ClinVar:

NM_000108.5(DLD):c.1218A>C (p.Glu406Asp)

Gene: DLD (dihydrolipoamide dehydrogenase; plus strand). Cytogenetic location: 7q31.1.
Variant type: single nucleotide variant.
Coding change: c.1218A>C on transcript NM_000108.5 (MANE Select); coding-DNA position 1218, A replaced by C.
Protein change: p.Glu406Asp; replaces glutamic acid 406 with aspartic acid.
Molecular consequence: missense variant.
Genome position (GRCh38, 1-based): chr7:107,917,444, A>C. VCF-style: chr7-107917444-A-C. GRCh37 (hg19) VCF-style: chr7-107557889-A-C.
Other names: c.921A>C, p.Glu307Asp (NM_001289750.1); c.1149A>C, p.Glu383Asp (NM_001289751.1); c.1074A>C, p.Glu358Asp (NM_001289752.1); short protein forms E307D, E358D, E383D, E406D.
Identifiers: ClinVar variation 2060059 (VCV002060059.4), dbSNP rs1355062474, ClinGen allele CA368858595.
Genomic context (GRCh38, chr7:107,917,444, plus strand): 5'-CAATTGTGTGCCATCAGTGATTTACACACACCCTGAAGTTGCTTGGGTTGGCAAATCAGA[A>C]GAGCAGTTGAAAGAAGAGGTAAGTCTGAACATGGGTGGTTTTAAGCCAATGTGTGAGTTG-3'
Protein context (NP_000099.2, residues 396-416): HPEVAWVGKS[Glu406Asp]EQLKEEGIEY

ClinVar aggregate classification (germline): Uncertain significance (1 of 4 stars; one submission).

Conditions:
Pyruvate dehydrogenase E3 deficiency (DLDD). Also called: Dihydrolipoamide Dehydrogenase E3 Deficiency; MAPLE SYRUP URINE DISEASE, TYPE III; Dihydrolipoamide Dehydrogenase (E3) Deficiency; DLD DEFICIENCY; E3 DEFICIENCY; Lipoamide dehydrogenase deficiency, lactic acidosis due to. Identifiers: Orphanet 2394, Orphanet 765, MedGen C5574660, MONDO:0009529, OMIM 246900.

Submission:

Labcorp Genetics (formerly Invitae), Labcorp
Classification: Uncertain significance for Pyruvate dehydrogenase E3 deficiency. Last evaluated: 2022-07-05. Review status: criteria provided, single submitter. Criteria: Invitae Variant Classification Sherloc (09022015). Collection method: clinical testing. Allele origin: germline.
Comment: In summary, the available evidence is currently insufficient to determine the role of this variant in disease. Therefore, it has been classified as a Variant of Uncertain Significance. Algorithms developed to predict the effect of missense changes on protein structure and function (SIFT, PolyPhen-2, Align-GVGD) all suggest that this variant is likely to be disruptive. This variant has not been reported in the literature in individuals affected with DLD-related conditions. This variant is not present in population databases (gnomAD no frequency). This sequence change replaces glutamic acid, which is acidic and polar, with aspartic acid, which is acidic and polar, at codon 406 of the DLD protein (p.Glu406Asp).